The following is an entry in ClinVar:

ClinVar aggregate classification (germline): Uncertain significance (1 of 4 stars; one submission).

Conditions:
Inborn genetic diseases. Identifiers: MedGen C0950123, MeSH D030342.

Submission:

Ambry Genetics
Classification: Uncertain significance for Inborn genetic diseases. Last evaluated: 2024-02-04. Review status: criteria provided, single submitter. Criteria: Ambry Variant Classification Scheme 2023. Collection method: clinical testing. Allele origin: germline.
Comment: The p.Q1111P variant (also known as c.3332A>C), located in coding exon 24 of the LRRK2 gene, results from an A to C substitution at nucleotide position 3332. The glutamine at codon 1111 is replaced by proline, an amino acid with similar properties. This amino acid position is conserved. In addition, the in silico prediction for this alteration is inconclusive. Based on the available evidence, the clinical significance of this alteration remains unclear.

NM_198578.4(LRRK2):c.3332A>C (p.Gln1111Pro)

Gene: LRRK2 (leucine rich repeat kinase 2; plus strand). Cytogenetic location: 12q12.
Variant type: single nucleotide variant.
Coding change: c.3332A>C on transcript NM_198578.4 (MANE Select); coding-DNA position 3332, A replaced by C.
Protein change: p.Gln1111Pro; replaces glutamine 1111 with proline.
Molecular consequence: missense variant.
Genome position (GRCh38, 1-based): chr12:40,298,478, A>C. VCF-style: chr12-40298478-A-C. GRCh37 (hg19) VCF-style: chr12-40692280-A-C.
Other names: short protein forms Q1111P.
Identifiers: ClinVar variation 3229605 (VCV003229605.1), dbSNP rs2499747275, ClinGen allele CA384415218.